The following is an entry in ClinVar:

NM_001354604.2(MITF):c.1355A>T (p.Asp452Val)

Gene: MITF (melanocyte inducing transcription factor; plus strand). Cytogenetic location: 3p13.
Variant type: single nucleotide variant.
Coding change: c.1355A>T on transcript NM_001354604.2 (MANE Select); coding-DNA position 1355, A replaced by T.
Protein change: p.Asp452Val; replaces aspartic acid 452 with valine.
Molecular consequence: missense variant.
Genome position (GRCh38, 1-based): chr3:69,965,022, A>T. VCF-style: chr3-69965022-A-T. GRCh37 (hg19) VCF-style: chr3-70014173-A-T.
Other names: c.1034A>T, p.Asp345Val (NM_000248.4); c.1181A>T, p.Asp394Val (NM_001184967.2, NM_001354608.2); c.1352A>T, p.Asp451Val (NM_001354605.2); c.1334A>T, p.Asp445Val (NM_001354606.2, NM_006722.3); c.1286A>T, p.Asp429Val (NM_001354607.2); c.1016A>T, p.Asp339Val (NM_198158.3); c.1337A>T, p.Asp446Val (NM_198159.3); c.1289A>T, p.Asp430Val (NM_198177.3); and 1 more; short protein forms D283V, D345V, D429V, D452V, D339V, D394V, D446V, D451V.
Identifiers: ClinVar variation 4782494 (VCV004782494.1).

ClinVar aggregate classification (germline): Uncertain significance (1 of 4 stars; one submission).

Conditions:
Tietz syndrome (TADS). Also called: ALBINISM-DEAFNESS OF TIETZ; HYPOPIGMENTATION/DEAFNESS OF TIETZ; TIETZ ALBINISM-DEAFNESS SYNDROME. Identifiers: Orphanet 42665, MedGen C0391816, MONDO:0007077, OMIM 103500.
Waardenburg syndrome type 2A (WS2A). Also called: WAARDENBURG SYNDROME WITHOUT DYSTOPIA CANTHORUM. Identifiers: Orphanet 3440, MedGen C1860339, MONDO:0008671, OMIM 193510.
Melanoma, cutaneous malignant, susceptibility to, 8. Also called: MELANOMA AND RENAL CELL CARCINOMA, SUSCEPTIBILITY TO; Cutaneous malignant melanoma 8. Identifiers: Orphanet 293822, MedGen C3152204, MONDO:0013759, OMIM 614456.

Submission:

Labcorp Genetics (formerly Invitae), Labcorp
Classification: Uncertain significance for Melanoma, cutaneous malignant, susceptibility to, 8; Waardenburg syndrome type 2A; Tietz syndrome. Last evaluated: 2026-01-11. Review status: criteria provided, single submitter. Criteria: Invitae Variant Classification Sherloc (09022015). Collection method: clinical testing. Allele origin: germline.
Comment: This sequence change replaces aspartic acid, which is acidic and polar, with valine, which is neutral and non-polar, at codon 345 of the MITF protein (p.Asp345Val). This variant is not present in population databases (gnomAD no frequency). This variant has not been reported in the literature in individuals affected with MITF-related conditions. Invitae Evidence Modeling of protein sequence and biophysical properties (such as structural, functional, and spatial information, amino acid conservation, physicochemical variation, residue mobility, and thermodynamic stability) indicates that this missense variant is not expected to disrupt MITF protein function with a negative predictive value of 80%. In summary, the available evidence is currently insufficient to determine the role of this variant in disease. Therefore, it has been classified as a Variant of Uncertain Significance.